The following is an entry in ClinVar:

ClinVar aggregate classification (germline): Uncertain significance (1 of 4 stars; one submission).

Conditions:
Catecholaminergic polymorphic ventricular tachycardia 1. Also called: RYR2-Related Catecholaminergic Polymorphic Ventricular Tachycardia; VENTRICULAR TACHYCARDIA, CATECHOLAMINERGIC POLYMORPHIC, 1, WITH OR WITHOUT ATRIAL DYSFUNCTION AND/OR DILATED CARDIOMYOPATHY; VENTRICULAR TACHYCARDIA, STRESS-INDUCED POLYMORPHIC 1. Identifiers: Orphanet 3286, MedGen C1631597, MONDO:0011484, OMIM 604772.

Submission:

Labcorp Genetics (formerly Invitae), Labcorp
Classification: Uncertain significance for Catecholaminergic polymorphic ventricular tachycardia 1. Last evaluated: 2021-06-12. Review status: criteria provided, single submitter. Criteria: Invitae Variant Classification Sherloc (09022015). Collection method: clinical testing. Allele origin: germline.
Comment: In summary, the available evidence is currently insufficient to determine the role of this variant in disease. Therefore, it has been classified as a Variant of Uncertain Significance. Algorithms developed to predict the effect of missense changes on protein structure and function are either unavailable or do not agree on the potential impact of this missense change (SIFT: "Tolerated"; PolyPhen-2: "Not Available"; Align-GVGD: "Class C0"). This variant has not been reported in the literature in individuals with TRDN-related conditions. This variant is not present in population databases (ExAC no frequency). This sequence change replaces lysine with arginine at codon 147 of the TRDN protein (p.Lys147Arg). The lysine residue is moderately conserved and there is a small physicochemical difference between lysine and arginine.

NM_006073.4(TRDN):c.440A>G (p.Lys147Arg)

Gene: TRDN (triadin; minus strand). Cytogenetic location: 6q22.31.
Variant type: single nucleotide variant.
Coding change: c.440A>G on transcript NM_006073.4 (MANE Select); coding-DNA position 440, A replaced by G.
Protein change: p.Lys147Arg; replaces lysine 147 with arginine.
Molecular consequence: missense variant.
Genome position (GRCh38, 1-based): chr6:123,530,550, T>C on the plus strand (A>G on the coding strand, the complement: TRDN is on the minus strand). VCF-style: chr6-123530550-T-C. GRCh37 (hg19) VCF-style: chr6-123851695-T-C.
Other names: c.440A>G, p.Lys147Arg (NM_001251987.2, NM_001256020.2, NM_001256021.2 and 1 more transcripts); short protein forms K147R.
Identifiers: ClinVar variation 1360413 (VCV001360413.7), dbSNP rs2114339102, ClinGen allele CA365568493.
Genomic context (GRCh38, chr6:123,530,550, plus strand): 5'-AAAATGAAATGTTTACCTTTAGTTTGTATTTTCCTTTCAGGTTTCTCTTGTTTTTCAGTC[T>C]TATCTTTGTGTATTTCTAAGAAAAAATAGAATTTATAATTTTAAAACTCTGAAAATGTAT-3'
Protein context (NP_006064.2, residues 137-157): PLRKKEIHKD[Lys147Arg]TEKQEKPERK